The following is an entry in ClinVar:

ClinVar aggregate classification (germline): Uncertain significance. Review status: criteria provided, multiple submitters, no conflicts (2 of 4 stars). 3 submissions from 3 submitters: Uncertain significance (3). Last evaluated 2025-05-07.

Conditions:
Familial adenomatous polyposis 1 (FAP1). Also called: FAMILIAL ADENOMATOUS POLYPOSIS 1, ATTENUATED; POLYPOSIS, ADENOMATOUS INTESTINAL. Identifiers: MedGen C2713442, MONDO:0021056, OMIM 175100. Disease mechanism: loss of function.
Classic or attenuated familial adenomatous polyposis. Identifiers: MedGen CN372698, MONDO:0021057.
Hereditary cancer-predisposing syndrome. Also called: Tumor predisposition; Hereditary neoplastic syndrome; Neoplastic Syndromes, Hereditary; Hereditary Cancer Syndrome. Identifiers: Orphanet 140162, MedGen C0027672, MeSH D009386, MONDO:0015356.

Allele frequency attached by ClinVar (database versions not stated): gnomAD exomes below 0.00001; ExAC 0.00001; TOPMed 0.00001.
gnomAD v4.1: 2 of 1,613,292 alleles (0.00012%); highest among the groups gnomAD compares: African/African-American, 0.0027%; no homozygotes.

Submissions (3):

Labcorp Genetics (formerly Invitae), Labcorp
Classification: Uncertain significance for Familial adenomatous polyposis 1. Last evaluated: 2025-05-07. Review status: criteria provided, single submitter. Criteria: Invitae Variant Classification Sherloc (09022015). Collection method: clinical testing. Allele origin: germline.
Comment: This sequence change replaces alanine, which is neutral and non-polar, with serine, which is neutral and polar, at codon 528 of the APC protein (p.Ala528Ser). This variant is present in population databases (rs757157018, gnomAD 0.007%). This variant has not been reported in the literature in individuals affected with APC-related conditions. ClinVar contains an entry for this variant (Variation ID: 1008501). Invitae Evidence Modeling of protein sequence and biophysical properties (such as structural, functional, and spatial information, amino acid conservation, physicochemical variation, residue mobility, and thermodynamic stability) indicates that this missense variant is not expected to disrupt APC protein function with a negative predictive value of 95%. In summary, the available evidence is currently insufficient to determine the role of this variant in disease. Therefore, it has been classified as a Variant of Uncertain Significance.

Ambry Genetics
Classification: Uncertain significance for Hereditary cancer-predisposing syndrome. Last evaluated: 2024-12-18. Review status: criteria provided, single submitter. Criteria: Ambry Variant Classification Scheme 2023. Collection method: clinical testing. Allele origin: germline.
Comment: The p.A528S variant (also known as c.1582G>T), located in coding exon 12 of the APC gene, results from a G to T substitution at nucleotide position 1582. The alanine at codon 528 is replaced by serine, an amino acid with similar properties. This amino acid position is highly conserved in available vertebrate species. In addition, in silico predictors for this gene do not accurately predict pathogenicity. Missense alterations in APC are not a common cause of disease (Spier I et al. Genet Med. 2024 Feb;26(2):100992). Based on the available evidence, the clinical significance of this variant remains unclear.

All of Us Research Program, National Institutes of Health
Classification: Uncertain significance for Classic or attenuated familial adenomatous polyposis. Last evaluated: 2024-07-10. Review status: criteria provided, single submitter. Criteria: ACMG Guidelines, 2015. Collection method: clinical testing. Allele origin: germline. Inheritance: Autosomal dominant inheritance. Observed: 1 variant allele, 1 heterozygote.
Comment: This missense variant replaces alanine with serine at codon 528 of the APC protein. Computational prediction is inconclusive regarding the impact of this variant on protein structure and function (internally defined REVEL score threshold 0.5 < inconclusive < 0.7, PMID: 27666373). To our knowledge, functional studies have not been reported for this variant. This variant has not been reported in individuals affected with APC-related disorders in the literature. This variant has been identified in 1/250878 chromosomes in the general population by the Genome Aggregation Database (gnomAD). The available evidence is insufficient to determine the role of this variant in disease conclusively. Therefore, this variant is classified as a Variant of Uncertain Significance.

This study involves interpretation of variants in research participants for the purpose of population health screening. Participant phenotype was not available at the time of variant classification. Additional details can be found in publication PMID: 35346344, PMCID: PMC8962531

NM_000038.6(APC):c.1582G>T (p.Ala528Ser)

Gene: APC (APC regulator of Wnt signaling pathway; plus strand). Cytogenetic location: 5q22.2.
Variant type: single nucleotide variant.
Coding change: c.1582G>T on transcript NM_000038.6 (MANE Select); coding-DNA position 1582, G replaced by T.
Protein change: p.Ala528Ser; replaces alanine 528 with serine.
Molecular consequence: missense variant.
Genome position (GRCh38, 1-based): chr5:112,827,962, G>T. VCF-style: chr5-112827962-G-T. GRCh37 (hg19) VCF-style: chr5-112163659-G-T.
Other names: c.1582G>T, p.Ala528Ser (NM_001127510.3, NM_001354895.2); c.1528G>T, p.Ala510Ser (NM_001127511.3); c.1636G>T, p.Ala546Ser (NM_001354896.2); c.1612G>T, p.Ala538Ser (NM_001354897.2); c.1507G>T, p.Ala503Ser (NM_001354898.2); c.1498G>T, p.Ala500Ser (NM_001354899.2); c.1459G>T, p.Ala487Ser (NM_001354900.2); c.1405G>T, p.Ala469Ser (NM_001354901.2); and 5 more; short protein forms A245S, A368S, A402S, A427S, A437S, A469S, A487S, A500S.
Identifiers: ClinVar variation 1008501 (VCV001008501.14), dbSNP rs757157018, ClinGen allele CA028496.
Genomic context (GRCh38, chr5:112,827,962, plus strand): 5'-ATCCTCTATTCTGTATTTAATTTACAGGCTACGCTATGCTCTATGAAAGGCTGCATGAGA[G>T]CACTTGTGGCCCAACTAAAATCTGAAAGTGAAGACTTACAGCAGGTACTATTTAGAATTT-3'
Protein context (NP_000029.2, residues 518-538): TLCSMKGCMR[Ala528Ser]LVAQLKSESE